The following is an entry in ClinVar:

NM_020944.3(GBA2):c.2479G>A (p.Gly827Arg)

Gene: GBA2 (glucosylceramidase beta 2; minus strand). Cytogenetic location: 9p13.3.
Variant type: single nucleotide variant.
Coding change: c.2479G>A on transcript NM_020944.3 (MANE Select); coding-DNA position 2479, G replaced by A.
Protein change: p.Gly827Arg; replaces glycine 827 with arginine.
Molecular consequence: missense variant.
Genome position (GRCh38, 1-based): chr9:35,737,774, C>T on the plus strand (G>A on the coding strand, the complement: GBA2 is on the minus strand). VCF-style: chr9-35737774-C-T. GRCh37 (hg19) VCF-style: chr9-35737771-C-T.
Other names: c.2479G>A, p.Gly827Arg (NM_001330660.2); short protein forms G827R.
Identifiers: ClinVar variation 3906429 (VCV003906429.1).
Genomic context (GRCh38, chr9:35,737,774, plus strand): 5'-AGATGGTGGAGAGATGGGAAAAGGAGTGCATTACCTCTTGGATCATGGTAGCTGCCAGCC[C>T]GTAGACCACACCCACCCAGACTTCATCAGACTGCACACTGGATTTATCAGGGACACCATG-3'
Protein context (NP_065995.1, residues 817-837): SDEVWVGVVY[Gly827Arg]LAATMIQEGL

ClinVar aggregate classification (germline): Uncertain significance (1 of 4 stars; one submission).

Submission:

GeneDx
Classification: Uncertain significance. Last evaluated: 2024-12-23. Review status: criteria provided, single submitter. Criteria: GeneDx Variant Classification Process June 2021. Collection method: clinical testing. Allele origin: germline. Affected: yes.
Comment: Not observed at significant frequency in large population cohorts (gnomAD); In silico analysis supports that this missense variant has a deleterious effect on protein structure/function; Has not been previously published as pathogenic or benign to our knowledge